The following is an entry in ClinVar:

NM_003848.4(SUCLG2):c.914G>C (p.Cys305Ser)

Gene: SUCLG2 (succinate-CoA ligase GDP-forming subunit beta; minus strand). Cytogenetic location: 3p14.1.
Variant type: single nucleotide variant.
Coding change: c.914G>C on transcript NM_003848.4 (MANE Select); coding-DNA position 914, G replaced by C.
Protein change: p.Cys305Ser; replaces cysteine 305 with serine.
Molecular consequence: missense variant.
Genome position (GRCh38, 1-based): chr3:67,498,139, C>G on the plus strand (G>C on the coding strand, the complement: SUCLG2 is on the minus strand). VCF-style: chr3-67498139-C-G. GRCh37 (hg19) VCF-style: chr3-67548563-C-G.
Other names: c.914G>C, p.Cys305Ser (NM_001177599.2); short protein forms C305S.
Identifiers: ClinVar variation 2109672 (VCV002109672.4), dbSNP rs765589082, ClinGen allele CA2485860.
Genomic context (GRCh38, chr3:67,498,139, plus strand): 5'-TTCCTAAATTCTATAAGAATCCACAAAGCATTCTTTTGATATAACTGCTTCTTACCAAAG[C>G]AGGCAATGTTCCCATCTAGTCCTATGTATTTTAGATCATATTTGGCAGCTTCATTTTCAA-3'
Protein context (NP_003839.2, residues 295-315): KYIGLDGNIA[Cys305Ser]FVNGAGLAMA

ClinVar aggregate classification (germline): Uncertain significance (1 of 4 stars; one submission).

Allele frequency attached by ClinVar (database versions not stated): gnomAD 0.00001; gnomAD exomes 0.00001; ExAC 0.00002.
gnomAD v4.1: 11 of 1,606,208 alleles (0.00068%); highest among the groups gnomAD compares: South Asian, 0.012%; no homozygotes.

Submission:

Labcorp Genetics (formerly Invitae), Labcorp
Classification: Uncertain significance. Last evaluated: 2022-05-12. Review status: criteria provided, single submitter. Criteria: Invitae Variant Classification Sherloc (09022015). Collection method: clinical testing. Allele origin: germline.
Comment: This sequence change replaces cysteine, which is neutral and slightly polar, with serine, which is neutral and polar, at codon 305 of the SUCLG2 protein (p.Cys305Ser). This variant is present in population databases (rs765589082, gnomAD 0.01%). This variant has not been reported in the literature in individuals affected with SUCLG2-related conditions. Algorithms developed to predict the effect of missense changes on protein structure and function (SIFT, PolyPhen-2, Align-GVGD) all suggest that this variant is likely to be disruptive. In summary, the available evidence is currently insufficient to determine the role of this variant in disease. Therefore, it has been classified as a Variant of Uncertain Significance.